The following is an entry in ClinVar:

ClinVar aggregate classification (germline): Pathogenic/Likely pathogenic. Review status: criteria provided, multiple submitters, no conflicts (2 of 4 stars). 2 submissions from 2 submitters: Pathogenic (1); Likely pathogenic (1). Last evaluated 2025-01-31.

Conditions:
Primary ciliary dyskinesia. Also called: Ciliary dyskinesia. Identifiers: Orphanet 244, MedGen C0008780, MONDO:0016575, HP:0012265.

Allele frequency attached by ClinVar (database versions not stated): TOPMed below 0.00001.

Submissions (2):

Natera, Inc.
Classification: Likely pathogenic for Primary ciliary dyskinesia. Last evaluated: 2025-01-31. Review status: criteria provided, single submitter. Criteria: Natera Variant Classification Schema (03/2026). Collection method: clinical testing. Allele origin: germline.
Comment: The c.556dup variant in DNAI1 is a frameshift variant predicted to shift the reading frame beginning at codon 186 and leads to a stop codon 5 codons downstream. This variant is expected to result in nonsense mediated decay, truncation, or a dysfunctional protein product. This variant is rare in the general population with a frequency below the threshold expected for the associated phenotype(s). Given the available evidence, this variant is classified as Likely Pathogenic.

Labcorp Genetics (formerly Invitae), Labcorp
Classification: Pathogenic for Primary ciliary dyskinesia. Last evaluated: 2020-07-15. Review status: criteria provided, single submitter. Criteria: Invitae Variant Classification Sherloc (09022015). Collection method: clinical testing. Allele origin: germline.
Comment: For these reasons, this variant has been classified as Pathogenic. Loss-of-function variants in DNAI1 are known to be pathogenic (PMID: 16858015, 29363216). This variant has not been reported in the literature in individuals with DNAI1-related conditions. This variant is not present in population databases (ExAC no frequency). This sequence change creates a premature translational stop signal (p.Arg186Lysfs*5) in the DNAI1 gene. It is expected to result in an absent or disrupted protein product.

Literature cited by the submitters: PubMed 16858015 (cited by Labcorp Genetics (formerly Invitae), Labcorp); PubMed 29363216 (cited by Labcorp Genetics (formerly Invitae), Labcorp).

NM_012144.4(DNAI1):c.556dup (p.Arg186fs)

Gene: DNAI1 (dynein axonemal intermediate chain 1; plus strand). Cytogenetic location: 9p13.3.
Variant type: Duplication.
Coding change: c.556dup on transcript NM_012144.4 (MANE Select); coding-DNA position 556, one base duplicated (A; older notation c.556dupA).
Protein change: p.Arg186fs; shifts the reading frame from arginine 186.
Molecular consequence: frameshift variant.
Genome position (GRCh38, 1-based): chr9:34,490,423, A duplicated. VCF-style (leftmost placement, unchanged base first): chr9-34490422-G-GA. GRCh37 (hg19) VCF-style: chr9-34490420-G-GA.
Other names: c.568dup, p.Arg190fs (NM_001281428.2); c.556dup (NM_012144.3); short protein forms R186fs, R190fs.
Identifiers: ClinVar variation 1075559 (VCV001075559.17), dbSNP rs1824564676, ClinGen allele CA1845575984.
Genomic context (GRCh38, chr9:34,490,422, plus strand): 5'-TTTTCAGGCAGCTGAAAAAGTGACTGAAGAAGAATTGATGACTCCTAAGCAGCCCAAGGA[G>GA]AGAAAGCTCACTAACCAGTTCAACTTCAGTGAGAGGGCCTCACAGACCTACAACAACCCT-3'